The following is an entry in ClinVar:

ClinVar aggregate classification (germline): Uncertain significance (1 of 4 stars; one submission).

Conditions:
Immunodeficiency 35 (IMD35). Also called: HIES WITH ATYPICAL MYCOBACTERIOSIS, AUTOSOMAL RECESSIVE; HYPER-IgE SYNDROME WITH ATYPICAL MYCOBACTERIOSIS, AUTOSOMAL RECESSIVE; TYK2 DEFICIENCY; Susceptibility to infection due to TYK2 deficiency. Identifiers: Orphanet 331226, MedGen C1969086, MONDO:0012682, OMIM 611521.

Allele frequency attached by ClinVar (database versions not stated): gnomAD 0.00001; TOPMed 0.00001.
gnomAD v4.1: 15 of 1,613,580 alleles (0.00093%); highest among the groups gnomAD compares: Admixed American, 0.005%; 1 homozygote.

Submission:

Labcorp Genetics (formerly Invitae), Labcorp
Classification: Uncertain significance for Immunodeficiency 35. Last evaluated: 2024-08-05. Review status: criteria provided, single submitter. Criteria: Invitae Variant Classification Sherloc (09022015). Collection method: clinical testing. Allele origin: germline.
Comment: This sequence change replaces arginine with histidine at codon 425 of the TYK2 protein (p.Arg425His). The arginine residue is highly conserved and there is a small physicochemical difference between arginine and histidine. This variant is present in population databases (no rsID available, gnomAD 0.0009%). This variant has not been reported in the literature in individuals affected with TYK2-related conditions. ClinVar contains an entry for this variant (Variation ID: 1422131). Advanced modeling of protein sequence and biophysical properties (such as structural, functional, and spatial information, amino acid conservation, physicochemical variation, residue mobility, and thermodynamic stability) performed at Invitae indicates that this missense variant is expected to disrupt TYK2 protein function with a positive predictive value of 80%. In summary, the available evidence is currently insufficient to determine the role of this variant in disease. Therefore, it has been classified as a Variant of Uncertain Significance.

NM_003331.5(TYK2):c.1274G>A (p.Arg425His)

Gene: TYK2 (tyrosine kinase 2; minus strand). Cytogenetic location: 19p13.2.
Variant type: single nucleotide variant.
Coding change: c.1274G>A on transcript NM_003331.5 (MANE Select); coding-DNA position 1274, G replaced by A.
Protein change: p.Arg425His; replaces arginine 425 with histidine.
Molecular consequence: missense variant.
Genome position (GRCh38, 1-based): chr19:10,364,707, C>T on the plus strand (G>A on the coding strand, the complement: TYK2 is on the minus strand). VCF-style: chr19-10364707-C-T. GRCh37 (hg19) VCF-style: chr19-10475383-C-T.
Other names: c.1274G>A, p.Arg425His (NM_001385197.1, NM_001385198.1, NM_001385199.1 and 6 more transcripts); c.1076G>A, p.Arg359His (NM_001385201.1); c.1184G>A, p.Arg395His (NM_001385205.1); short protein forms R395H, R359H, R425H.
Identifiers: ClinVar variation 1422131 (VCV001422131.5), dbSNP rs150601734, ClinGen allele CA404012754.